The following is an entry in ClinVar:

NM_015378.4(VPS13D):c.10619G>A (p.Arg3540Gln)

Gene: VPS13D (vacuolar protein sorting 13 homolog D; plus strand). Cytogenetic location: 1p36.22.
Variant type: single nucleotide variant.
Coding change: c.10619G>A on transcript NM_015378.4 (MANE Select); coding-DNA position 10619, G replaced by A.
Protein change: p.Arg3540Gln; replaces arginine 3540 with glutamine.
Molecular consequence: missense variant.
Genome position (GRCh38, 1-based): chr1:12,369,513, G>A. VCF-style: chr1-12369513-G-A. GRCh37 (hg19) VCF-style: chr1-12429568-G-A.
Other names: c.10619G>A (NM_015378.2); c.10544G>A, p.Arg3515Gln (NM_018156.4); short protein forms R3540Q, R3515Q.
Identifiers: ClinVar variation 1929773 (VCV001929773.6), dbSNP rs562706781, ClinGen allele CA603752.

ClinVar aggregate classification (germline): Uncertain significance. Review status: criteria provided, multiple submitters, no conflicts (2 of 4 stars). 2 submissions from 2 submitters: Uncertain significance (2). Last evaluated 2025-03-20.

Conditions:
Inborn genetic diseases. Identifiers: MedGen C0950123, MeSH D030342.

Allele frequency attached by ClinVar (database versions not stated): gnomAD exomes 0.00001.
gnomAD v4.1: 17 of 1,614,068 alleles (0.0011%); highest among the groups gnomAD compares: South Asian, 0.0099%; no homozygotes.

Submissions (2):

Ambry Genetics
Classification: Uncertain significance for Inborn genetic diseases. Last evaluated: 2025-03-20. Review status: criteria provided, single submitter. Criteria: Ambry Variant Classification Scheme 2023. Collection method: clinical testing. Allele origin: germline.

Labcorp Genetics (formerly Invitae), Labcorp
Classification: Uncertain significance. Last evaluated: 2023-10-13. Review status: criteria provided, single submitter. Criteria: Invitae Variant Classification Sherloc (09022015). Collection method: clinical testing. Allele origin: germline.
Comment: This sequence change replaces arginine, which is basic and polar, with glutamine, which is neutral and polar, at codon 3540 of the VPS13D protein (p.Arg3540Gln). This variant is present in population databases (rs562706781, gnomAD 0.01%). This variant has not been reported in the literature in individuals affected with VPS13D-related conditions. ClinVar contains an entry for this variant (Variation ID: 1929773). Advanced modeling of protein sequence and biophysical properties (such as structural, functional, and spatial information, amino acid conservation, physicochemical variation, residue mobility, and thermodynamic stability) performed at Invitae indicates that this missense variant is not expected to disrupt VPS13D protein function. In summary, the available evidence is currently insufficient to determine the role of this variant in disease. Therefore, it has been classified as a Variant of Uncertain Significance.